The following continues an entry in ClinVar:

NM_001370658.1(BTD):c.581A>G (p.Asn194Ser)

Gene: BTD. ClinVar aggregate classification (germline): Pathogenic/Likely pathogenic. Pathogenic (3); Likely pathogenic (8).

Submissions 9 to 13 of 13:

Quest Diagnostics Nichols Institute San Juan Capistrano
Classification: Likely pathogenic. Last evaluated: 2024-11-22. Review status: criteria provided, single submitter. Criteria: Quest Diagnostics criteria. Collection method: clinical testing. Allele origin: unknown.
Comment: The BTD c.641A>G (p.Asn214Ser) variant has been reported in the published literature in either a homozygous state or with another pathogenic variant associated with biotinidase deficiency in multiple individuals affected with partial biotinidase deficiency (10-30% of normal BTD activity) (PMID: 25144890 (2015), 26361991 (2015), 29995633 (2018), 33217065 (2021), 35195902 (2022), 38299772 (2024)). This variant has also been reported in a heterozygous state in an individual with approximately 60% of normal BTD enzyme activity (PMID: 38299772 (2024)). The frequency of this variant in the general population, 0.0001 (13/129166 chromosomes (Genome Aggregation Database)), is uninformative in the assessment of its pathogenicity. Analysis of this variant using bioinformatics tools for the prediction of the effect of amino acid changes on protein structure and function yielded predictions that this variant is damaging. Based on the available information, this variant is classified as likely pathogenic.

Fulgent Genetics
Classification: Likely pathogenic for Biotinidase deficiency. Last evaluated: 2024-03-08. Review status: criteria provided, single submitter. Criteria: ACMG Guidelines, 2015. Collection method: clinical testing. Allele origin: germline.

Baylor Genetics
Classification: Likely pathogenic for Biotinidase deficiency. Last evaluated: 2023-11-28. Review status: criteria provided, single submitter. Criteria: ACMG Guidelines, 2015. Collection method: clinical testing. Allele origin: unknown.

Soonchunhyang University Bucheon Hospital, Soonchunhyang University Medical Center
Classification: Uncertain significance for Biotinidase deficiency. Last evaluated: 2016-03-18. Review status: flagged submission. Criteria: ACMG Guidelines, 2015. Collection method: reference population. Allele origin: germline. Observed: 1 variant allele. Not counted in ClinVar's aggregate classification.
ClinVar note: Reason: Older and outlier claim with insufficient supporting evidence

Breakthrough Genomics
Classification: Uncertain significance. Review status: flagged submission. Criteria: ACMG Guidelines, 2015. Collection method: not provided. Allele origin: germline. Inheritance: Autosomal recessive inheritance. Affected: yes. Not counted in ClinVar's aggregate classification.
ClinVar note: Reason: Outlier claim with insufficient supporting evidence

Literature cited by the submitters: PubMed 35195902 (cited by 3 submitters); PubMed 20301497 (cited by Victorian Clinical Genetics Services, Murdoch Childrens Research Institute); PubMed 28498829 (cited by Victorian Clinical Genetics Services, Murdoch Childrens Research Institute); PubMed 15776412 (cited by 4 submitters); PubMed 38141137 (cited by Women's Health and Genetics/Laboratory Corporation of America, LabCorp and Natera, Inc.); PubMed 38299772 (cited by 3 submitters); PubMed 39461572 (cited by Women's Health and Genetics/Laboratory Corporation of America, LabCorp); PubMed 39688110 (cited by Women's Health and Genetics/Laboratory Corporation of America, LabCorp); PubMed 39451125 (cited by Women's Health and Genetics/Laboratory Corporation of America, LabCorp); PubMed 39582447 (cited by Women's Health and Genetics/Laboratory Corporation of America, LabCorp and Natera, Inc.); PubMed 34448386 (cited by Natera, Inc.); PubMed 29995633 (cited by 3 submitters); PubMed 33217065 (cited by Natera, Inc. and Quest Diagnostics Nichols Institute San Juan Capistrano); PubMed 25144890 (cited by 3 submitters); PubMed 26361991 (cited by Labcorp Genetics (formerly Invitae), Labcorp and Quest Diagnostics Nichols Institute San Juan Capistrano).